The following is an entry in ClinVar:

ClinVar aggregate classification (germline): Conflicting classifications of pathogenicity. Review status: criteria provided, conflicting classifications (1 of 4 stars). 7 submissions from 7 submitters: Uncertain significance (5); Likely benign (2). Last evaluated 2025-10-16.

Conditions:
Familial thoracic aortic aneurysm and aortic dissection (TAAD). Also called: Thoracic aortic aneurysms and dissections. Identifiers: Orphanet 91387, MedGen C4707243, MONDO:0019625.
Oto-palato-digital syndrome, type II (OPD2). Also called: Otopalatodigital Syndrome, Type II; FACIOPALATOOSSEOUS SYNDROME; Otopalatodigital Syndrome Type 2 (FLNA-OPD2); OPD II SYNDROME. Identifiers: Orphanet 669, Orphanet 90652, MedGen C1844696, MONDO:0010571, OMIM 304120.
Melnick-Needles syndrome (MNS). Also called: Melnick-Needles Syndrome (FLNA-MNS); MELNICK-NEEDLES OSTEODYSPLASTY; OSTEODYSPLASTY OF MELNICK AND NEEDLES. Identifiers: Orphanet 2484, MedGen C0025237, MONDO:0010650, OMIM 309350.
Heterotopia, periventricular, X-linked dominant (PVNH1). Also called: PERIVENTRICULAR NODULAR HETEROTOPIA 4; HETEROTOPIA, PERIVENTRICULAR, 1; X-linked periventricular heterotopia; PERIVENTRICULAR NODULAR HETEROTOPIA 1. Identifiers: Orphanet 2149, Orphanet 82004, MedGen C1848213, MONDO:0010233, OMIM 300049.
Frontometaphyseal dysplasia (FMD1). Identifiers: Orphanet 1826, MedGen C0265293, MONDO:0015942.
FG syndrome 2 (FGS2). Identifiers: MedGen C1845902, MONDO:0010297, OMIM 300321.

Allele frequency attached by ClinVar (database versions not stated): gnomAD exomes 0.00002 and 0.00003; ExAC 0.00006; gnomAD 0.00011; TOPMed 0.00012; ESP Exome Variant Server 0.00019.
gnomAD v4.1: 37 of 1,209,579 alleles (0.0031%); highest among the groups gnomAD compares: African/African-American, 0.043%; no homozygotes.

Submissions (7):

Labcorp Genetics (formerly Invitae), Labcorp
Classification: Likely benign for Oto-palato-digital syndrome, type II; Heterotopia, periventricular, X-linked dominant; Frontometaphyseal dysplasia; Melnick-Needles syndrome. Last evaluated: 2025-10-16. Review status: criteria provided, single submitter. Criteria: Invitae Variant Classification Sherloc (09022015). Collection method: clinical testing. Allele origin: germline.

Ambry Genetics
Classification: Uncertain significance for Familial thoracic aortic aneurysm and aortic dissection. Last evaluated: 2025-09-26. Review status: criteria provided, single submitter. Criteria: Ambry Variant Classification Scheme 2023. Collection method: clinical testing. Allele origin: germline.
Comment: The p.V1914M variant (also known as c.5740G>A), located in coding exon 34 of the FLNA gene, results from a G to A substitution at nucleotide position 5740. The valine at codon 1914 is replaced by methionine, an amino acid with highly similar properties. Based on data from gnomAD, the A allele has an overall frequency of <0.01% (6/181219) total alleles studied, with 2 hemizygote(s) observed. The highest observed frequency was 0.03% (4/12752) of African alleles. This amino acid position is highly conserved in available vertebrate species. In addition, this alteration is predicted to be deleterious by in silico analysis. Based on the available evidence, the clinical significance of this variant remains unclear.

CeGaT Center for Human Genetics Tuebingen
Classification: Likely benign. Last evaluated: 2025-09-01. Review status: criteria provided, single submitter. Criteria: CeGaT Center For Human Genetics Tuebingen Variant Classification Criteria Version 2. Collection method: clinical testing. Allele origin: germline. Affected: yes. Observed: 2 variant alleles.
Comment: FLNA: PP3, BS2

Women's Health and Genetics/Laboratory Corporation of America, LabCorp
Classification: Uncertain significance. Last evaluated: 2022-11-25. Review status: criteria provided, single submitter. Criteria: LabCorp Variant Classification Summary - May 2015. Collection method: clinical testing. Allele origin: germline.
Comment: Variant summary: FLNA c.5740G>A (p.Val1914Met) results in a conservative amino acid change in the encoded protein sequence. Four of five in-silico tools predict a damaging effect of the variant on protein function. The variant allele was found at a frequency of 3.3e-05 in 181219 control chromosomes, including 2 hemizygotes (gnomAD). c.5740G>A has been reported in the literature in individual(s) affected with severe childhood epilepsy (Stanek_2018). This report does not provide unequivocal conclusions about association of the variant with FLNA-Related Disorders. To our knowledge, no experimental evidence demonstrating an impact on protein function has been reported. Four clinical diagnostic laboratories have submitted clinical-significance assessments for this variant to ClinVar after 2014 and classified the variant as uncertain significance. Based on the evidence outlined above, the variant was classified as uncertain significance.

GeneDx
Classification: Uncertain significance. Last evaluated: 2022-10-04. Review status: criteria provided, single submitter. Criteria: GeneDx Variant Classification Process June 2021. Collection method: clinical testing. Allele origin: germline. Affected: yes.
Comment: Has not been previously published as pathogenic or benign to our knowledge; In silico analysis supports that this missense variant has a deleterious effect on protein structure/function

Institute of Human Genetics, Clinical Exome/Genome Diagnostics Group, University Hospital Bonn
Classification: Uncertain significance for FG syndrome 2. Last evaluated: 2022-02-23. Review status: criteria provided, single submitter. Criteria: ACMG Guidelines, 2015. Collection method: clinical testing. Allele origin: germline. Affected: yes.

Mayo Clinic Laboratories, Mayo Clinic
Classification: Uncertain significance. Last evaluated: 2019-12-11. Review status: criteria provided, single submitter. Criteria: ACMG Guidelines, 2015. Collection method: clinical testing. Allele origin: germline. Observed: 1 variant allele.

Literature cited by the submitters: PubMed 29720203 (cited by Women's Health and Genetics/Laboratory Corporation of America, LabCorp).

NM_001110556.2(FLNA):c.5764G>A (p.Val1922Met)

Gene: FLNA (filamin A; minus strand). Cytogenetic location: Xq28.
Variant type: single nucleotide variant.
Coding change: c.5764G>A on transcript NM_001110556.2 (MANE Select); coding-DNA position 5764, G replaced by A.
Protein change: p.Val1922Met; replaces valine 1922 with methionine.
Molecular consequence: missense variant.
Genome position (GRCh38, 1-based): chrX:154,353,650, C>T on the plus strand (G>A on the coding strand, the complement: FLNA is on the minus strand). VCF-style: chrX-154353650-C-T. GRCh37 (hg19) VCF-style: chrX-153582018-C-T.
Other names: c.5740G>A, p.Val1914Met (NM_001456.4); short protein forms V1914M, V1922M.
Identifiers: ClinVar variation 1163702 (VCV001163702.28), dbSNP rs371366175, ClinGen allele CA10560232.